The following is an entry in ClinVar:

ClinVar aggregate classification (germline): Pathogenic (1 of 4 stars; one submission).

Conditions:
Familial focal epilepsy with variable foci (FPEVF). Identifiers: Orphanet 98820, MedGen C1858477, MONDO:0020310.

Submission:

Labcorp Genetics (formerly Invitae), Labcorp
Classification: Pathogenic for Familial focal epilepsy with variable foci. Last evaluated: 2022-06-15. Review status: criteria provided, single submitter. Criteria: Invitae Variant Classification Sherloc (09022015). Collection method: clinical testing. Allele origin: germline.
Comment: For these reasons, this variant has been classified as Pathogenic. This variant has not been reported in the literature in individuals affected with DEPDC5-related conditions. This variant is not present in population databases (gnomAD no frequency). This sequence change creates a premature translational stop signal (p.Ser497Profs*20) in the DEPDC5 gene. It is expected to result in an absent or disrupted protein product. Loss-of-function variants in DEPDC5 are known to be pathogenic (PMID: 23542697, 23542701).

Literature cited by the submitters: PubMed 23542697; PubMed 23542701.

NM_001242896.3(DEPDC5):c.1488del (p.Ser497fs)

Gene: DEPDC5 (DEP domain containing 5, GATOR1 subcomplex subunit; plus strand). Cytogenetic location: 22q12.3.
Variant type: Deletion.
Coding change: c.1488del on transcript NM_001242896.3 (MANE Select); coding-DNA position 1488, one base deleted (C; older notation c.1488delC).
Protein change: p.Ser497fs; shifts the reading frame from serine 497.
Molecular consequence: frameshift variant. On other transcripts: non-coding transcript variant (5).
Genome position (GRCh38, 1-based): chr22:31,815,034, C deleted. VCF-style (leftmost placement, unchanged base first): chr22-31815033-GC-G. GRCh37 (hg19) VCF-style: chr22-32211019-GC-G.
Other names: c.1488del, p.Ser497fs (NM_001007188.4, NM_001136029.4, NM_001242897.2 and 7 more transcripts); c.1404del, p.Ser469fs (NM_001369901.1, NM_001369902.1); short protein forms S497fs, S469fs.
Identifiers: ClinVar variation 2131566 (VCV002131566.4), dbSNP rs2519249455, ClinGen allele CA2580099624.